The following is an entry in ClinVar:

NM_016507.4(CDK12):c.2595T>G (p.Ile865Met)

Gene: CDK12 (cyclin dependent kinase 12; plus strand). Cytogenetic location: 17q12.
Variant type: single nucleotide variant.
Coding change: c.2595T>G on transcript NM_016507.4 (MANE Select); coding-DNA position 2595, T replaced by G.
Protein change: p.Ile865Met; replaces isoleucine 865 with methionine.
Molecular consequence: missense variant.
Genome position (GRCh38, 1-based): chr17:39,501,425, T>G. VCF-style: chr17-39501425-T-G. GRCh37 (hg19) VCF-style: chr17-37657678-T-G.
Other names: c.2595T>G, p.Ile865Met (NM_015083.4); short protein forms I865M.
Identifiers: ClinVar variation 3999527 (VCV003999527.1).

ClinVar aggregate classification (germline): Uncertain significance (1 of 4 stars; one submission).

Submission:

Ambry Genetics
Classification: Uncertain significance. Last evaluated: 2025-06-02. Review status: criteria provided, single submitter. Criteria: Ambry Variant Classification Scheme 2023. Collection method: clinical testing. Allele origin: germline.
Comment: The p.I865M variant (also known as c.2595T>G), located in coding exon 6 of the CDK12 gene, results from a T to G substitution at nucleotide position 2595. The isoleucine at codon 865 is replaced by methionine, an amino acid with highly similar properties. This amino acid position is conserved. In addition, this alteration is predicted to be deleterious by in silico analysis. Based on the available evidence, the clinical significance of this variant remains unclear.